The following is an entry in ClinVar:

ClinVar aggregate classification (germline): Uncertain significance (1 of 4 stars; one submission).

gnomAD v4.1: 3 of 1,613,984 alleles (0.00019%); highest among the groups gnomAD compares: African/African-American, 0.0013%; no homozygotes.

Submission:

Labcorp Genetics (formerly Invitae), Labcorp
Classification: Uncertain significance. Last evaluated: 2025-03-22. Review status: criteria provided, single submitter. Criteria: Invitae Variant Classification Sherloc (09022015). Collection method: clinical testing. Allele origin: germline.
Comment: This sequence change replaces proline, which is neutral and non-polar, with leucine, which is neutral and non-polar, at codon 87 of the CYP11A1 protein (p.Pro87Leu). This variant is present in population databases (no rsID available, gnomAD 0.0009%). This variant has not been reported in the literature in individuals affected with CYP11A1-related conditions. Invitae Evidence Modeling of protein sequence and biophysical properties (such as structural, functional, and spatial information, amino acid conservation, physicochemical variation, residue mobility, and thermodynamic stability) has been performed for this missense variant. However, the output from this modeling did not meet the statistical confidence thresholds required to predict the impact of this variant on CYP11A1 protein function. In summary, the available evidence is currently insufficient to determine the role of this variant in disease. Therefore, it has been classified as a Variant of Uncertain Significance.

NM_000781.3(CYP11A1):c.260C>T (p.Pro87Leu)

Gene: CYP11A1 (cytochrome P450 family 11 subfamily A member 1; minus strand). Cytogenetic location: 15q24.1.
Variant type: single nucleotide variant.
Coding change: c.260C>T on transcript NM_000781.3 (MANE Select); coding-DNA position 260, C replaced by T.
Protein change: p.Pro87Leu; replaces proline 87 with leucine.
Molecular consequence: missense variant.
Genome position (GRCh38, 1-based): chr15:74,367,326, G>A on the plus strand (C>T on the coding strand, the complement: CYP11A1 is on the minus strand). VCF-style: chr15-74367326-G-A. GRCh37 (hg19) VCF-style: chr15-74659667-G-A.
Other names: short protein forms P87L.
Identifiers: ClinVar variation 4704691 (VCV004704691.1).